The following is an entry in ClinVar:

ClinVar aggregate classification (germline): Pathogenic. Review status: criteria provided, multiple submitters, no conflicts (2 of 4 stars). 4 submissions from 4 submitters: Pathogenic (3). 1 of the submissions does not count toward it. Last evaluated 2024-11-06.

Conditions:
PIGT-related disorder.
Inborn genetic diseases. Identifiers: MedGen C0950123, MeSH D030342.
Multiple congenital anomalies-hypotonia-seizures syndrome 3 (MCAHS3). Also called: GLYCOSYLPHOSPHATIDYLINOSITOL BIOSYNTHESIS DEFECT 7. Identifiers: Orphanet 369837, MedGen C3809356, MONDO:0014165, OMIM 615398.

Allele frequency attached by ClinVar (database versions not stated): TOPMed 0.00002; gnomAD exomes 0.00004 and 0.00007; gnomAD 0.00005; ExAC 0.00006; ESP Exome Variant Server 0.00008.

Submissions (4):

Labcorp Genetics (formerly Invitae), Labcorp
Classification: Pathogenic for Multiple congenital anomalies-hypotonia-seizures syndrome 3. Last evaluated: 2024-11-06. Review status: criteria provided, single submitter. Criteria: Invitae Variant Classification Sherloc (09022015). Collection method: clinical testing. Allele origin: germline.
Comment: This sequence change creates a premature translational stop signal (p.Val307Argfs*13) in the PIGT gene. It is expected to result in an absent or disrupted protein product. Loss-of-function variants in PIGT are known to be pathogenic (PMID: 24906948, 25943031). This variant is present in population databases (rs751861982, gnomAD 0.009%). This premature translational stop signal has been observed in individual(s) with PIGT-congenital disorder of glycosylation (PMID: 25943031, 33620284). ClinVar contains an entry for this variant (Variation ID: 503770). For these reasons, this variant has been classified as Pathogenic.

Ambry Genetics
Classification: Pathogenic for Inborn genetic diseases. Last evaluated: 2024-04-18. Review status: criteria provided, single submitter. Criteria: Ambry Variant Classification Scheme 2023. Collection method: clinical testing. Allele origin: germline.
Comment: The c.918dupC (p.V307Rfs*13) alteration, located in exon 8 (coding exon 8) of the PIGT gene, consists of a duplication of C at position 918, causing a translational frameshift with a predicted alternate stop codon after 13 amino acids. This alteration is expected to result in loss of function by premature protein truncation or nonsense-mediated mRNA decay. Based on data from gnomAD, the CC allele has an overall frequency of 0.004% (11/282816) total alleles studied. The highest observed frequency was 0.009% (11/129174) of European (non-Finnish) alleles. This variant has been identified in conjunction with other PIGT variants in multiple individuals with features consistent with PIGT-related glycosylphosphatidylinositol deficiency; in at least one instance, the variants were identified in trans (Bayat, 2021; Ambry internal data). Based on the available evidence, this alteration is classified as pathogenic.

GeneDx
Classification: Pathogenic. Last evaluated: 2023-12-03. Review status: criteria provided, single submitter. Criteria: GeneDx Variant Classification Process June 2021. Collection method: clinical testing. Allele origin: germline. Affected: yes.
Comment: Frameshift variant predicted to result in protein truncation or nonsense mediated decay in a gene for which loss-of-function is a known mechanism of disease; Not observed at significant frequency in large population cohorts (gnomAD); This variant is associated with the following publications: (PMID: 34046058, 33620284, 25943031)

OMIM
Classification: Pathogenic for MULTIPLE CONGENITAL ANOMALIES-HYPOTONIA-SEIZURES SYNDROME 3. Last evaluated: 2019-03-12. Review status: no assertion criteria provided. Collection method: literature only. Allele origin: germline. Not counted in ClinVar's aggregate classification.

Literature cited by the submitters: PubMed 24906948 (cited by Labcorp Genetics (formerly Invitae), Labcorp); PubMed 25943031 (cited by Labcorp Genetics (formerly Invitae), Labcorp and OMIM); PubMed 33620284 (cited by Labcorp Genetics (formerly Invitae), Labcorp); PubMed 34046058 (cited by Ambry Genetics).

NM_015937.6(PIGT):c.918dup (p.Val307fs)

Gene: PIGT (phosphatidylinositol glycan anchor biosynthesis class T; plus strand). Cytogenetic location: 20q13.12.
Variant type: Duplication.
Coding change: c.918dup on transcript NM_015937.6 (MANE Select); coding-DNA position 918, one base duplicated (C; older notation c.918dupC).
Protein change: p.Val307fs; shifts the reading frame from valine 307.
Molecular consequence: frameshift variant. On other transcripts: non-coding transcript variant (5).
Genome position (GRCh38, 1-based): chr20:45,420,578, C duplicated. VCF-style (leftmost placement, unchanged base first): chr20-45420577-A-AC. GRCh37 (hg19) VCF-style: chr20-44049217-A-AC.
Other names: c.918dup (NM_015937.5); c.918dupC (NM_015937.5); c.750dup, p.Val251fs (NM_001184728.3); c.918dup, p.Val307fs (NM_001184729.3); c.612dup, p.Val205fs (NM_001184730.3); short protein forms V307fs, V205fs, V251fs.
Identifiers: ClinVar variation 503770 (VCV000503770.11), dbSNP rs751861982, ClinGen allele CA9878105.